The following is an entry in ClinVar:

ClinVar aggregate classification (germline): Likely pathogenic (1 of 4 stars; one submission).

Conditions:
Primary ciliary dyskinesia. Also called: Ciliary dyskinesia. Identifiers: Orphanet 244, MedGen C0008780, MONDO:0016575, HP:0012265.

Submission:

Labcorp Genetics (formerly Invitae), Labcorp
Classification: Likely pathogenic for Primary ciliary dyskinesia. Last evaluated: 2021-12-03. Review status: criteria provided, single submitter. Criteria: Invitae Variant Classification Sherloc (09022015). Collection method: clinical testing. Allele origin: germline.
Comment: This sequence change affects an acceptor splice site in intron 1 of the CCNO gene. It is expected to disrupt RNA splicing. Variants that disrupt the donor or acceptor splice site typically lead to a loss of protein function (PMID: 16199547), and loss-of-function variants in CCNO are known to be pathogenic (PMID: 24747639). This variant is not present in population databases (gnomAD no frequency). This variant has not been reported in the literature in individuals affected with CCNO-related conditions. ClinVar contains an entry for this variant (Variation ID: 648930). Algorithms developed to predict the effect of sequence changes on RNA splicing suggest that this variant may disrupt the consensus splice site. In summary, the currently available evidence indicates that the variant is pathogenic, but additional data are needed to prove that conclusively. Therefore, this variant has been classified as Likely Pathogenic.

Literature cited by the submitters: PubMed 16199547; PubMed 24747639.

NM_021147.5(CCNO):c.382-1G>T

Gene: CCNO (cyclin O; minus strand). Cytogenetic location: 5q11.2.
Variant type: single nucleotide variant.
Coding change: c.382-1G>T on transcript NM_021147.5 (MANE Select); the canonical splice acceptor site of the intron before coding-DNA position 382, G replaced by T.
Molecular consequence: splice acceptor variant. On other transcripts: non-coding transcript variant (1).
Genome position (GRCh38, 1-based): chr5:55,232,547, C>A on the plus strand (G>T on the coding strand, the complement: CCNO is on the minus strand). VCF-style: chr5-55232547-C-A. GRCh37 (hg19) VCF-style: chr5-54528375-C-A.
Identifiers: ClinVar variation 648930 (VCV000648930.7), dbSNP rs1580411207, ClinGen allele CA359723679.
Genomic context (GRCh38, chr5:55,232,547, plus strand): 5'-GAATTGGCGGTGCACCGGGATCAGCCAGCTGAGCAGCTTACAGCGGGATTCCGCCGTCAC[C>A]TGCCGGGAAGGAGGGGGGAGGCGGGCCCGCTGGGCTTAGGGTGGAGAGGGACTGTGGAAG-3'